The following is an entry in ClinVar:

ClinVar aggregate classification (germline): Uncertain significance (1 of 4 stars; one submission).

Conditions:
Dystonia 12 (DYT12). Also called: Rapid-Onset Dystonia-Parkinsonism (RDP); DYT-ATP1A3. Identifiers: Orphanet 71517, MedGen C1868681, MONDO:0007496, OMIM 128235.

Submission:

Labcorp Genetics (formerly Invitae), Labcorp
Classification: Uncertain significance for Dystonia 12. Last evaluated: 2021-01-14. Review status: criteria provided, single submitter. Criteria: Invitae Variant Classification Sherloc (09022015). Collection method: clinical testing. Allele origin: germline.
Comment: This sequence change replaces glycine with serine at codon 537 of the ATP1A3 protein (p.Gly537Ser). The glycine residue is highly conserved and there is a small physicochemical difference between glycine and serine. This variant is not present in population databases (ExAC no frequency). This variant has not been reported in the literature in individuals with ATP1A3-related conditions. Algorithms developed to predict the effect of missense changes on protein structure and function are either unavailable or do not agree on the potential impact of this missense change (SIFT: "Deleterious"; PolyPhen-2: "Probably Damaging"; Align-GVGD: "Class C0"). In summary, the available evidence is currently insufficient to determine the role of this variant in disease. Therefore, it has been classified as a Variant of Uncertain Significance.

NM_152296.5(ATP1A3):c.1609G>A (p.Gly537Ser)

Gene: ATP1A3 (ATPase Na+/K+ transporting subunit alpha 3; minus strand). Cytogenetic location: 19q13.2.
Variant type: single nucleotide variant.
Coding change: c.1609G>A on transcript NM_152296.5 (MANE Select); coding-DNA position 1609, G replaced by A.
Protein change: p.Gly537Ser; replaces glycine 537 with serine.
Molecular consequence: missense variant.
Genome position (GRCh38, 1-based): chr19:41,978,627, C>T on the plus strand (G>A on the coding strand, the complement: ATP1A3 is on the minus strand). VCF-style: chr19-41978627-C-T. GRCh37 (hg19) VCF-style: chr19-42482779-C-T.
Other names: c.1642G>A, p.Gly548Ser (NM_001256213.2); c.1648G>A, p.Gly550Ser (NM_001256214.2); short protein forms G537S, G550S, G548S.
Identifiers: ClinVar variation 1403667 (VCV001403667.8), dbSNP rs2145965881, ClinGen allele CA406046419.